The following is an entry in ClinVar:

NM_000038.6(APC):c.5111A>C (p.Lys1704Thr)

Gene: APC (APC regulator of Wnt signaling pathway; plus strand). Cytogenetic location: 5q22.2.
Variant type: single nucleotide variant.
Coding change: c.5111A>C on transcript NM_000038.6 (MANE Select); coding-DNA position 5111, A replaced by C.
Protein change: p.Lys1704Thr; replaces lysine 1704 with threonine.
Molecular consequence: missense variant.
Genome position (GRCh38, 1-based): chr5:112,840,705, A>C. VCF-style: chr5-112840705-A-C. GRCh37 (hg19) VCF-style: chr5-112176402-A-C.
Other names: c.5111A>C, p.Lys1704Thr (NM_001127510.3, NM_001354895.2, NM_001407450.1); c.5057A>C, p.Lys1686Thr (NM_001127511.3); c.5165A>C, p.Lys1722Thr (NM_001354896.2, NM_001407447.1, NM_001407448.1 and 1 more transcripts); c.5141A>C, p.Lys1714Thr (NM_001354897.2); c.5036A>C, p.Lys1679Thr (NM_001354898.2); c.5027A>C, p.Lys1676Thr (NM_001354899.2); c.4988A>C, p.Lys1663Thr (NM_001354900.2); c.4934A>C, p.Lys1645Thr (NM_001354901.2, NM_001407453.1); and 11 more; short protein forms K1421T, K1621T, K1686T, K1704T, K1320T, K1544T, K1575T, K1603T.
Identifiers: ClinVar variation 1745415 (VCV001745415.5), dbSNP rs1281933108, ClinGen allele CA16032502.

ClinVar aggregate classification (germline): Uncertain significance. Review status: criteria provided, multiple submitters, no conflicts (2 of 4 stars). 2 submissions from 2 submitters: Uncertain significance (2). Last evaluated 2026-01-11.

Conditions:
Hereditary cancer-predisposing syndrome. Also called: Hereditary Cancer Syndrome; Neoplastic Syndromes, Hereditary; Tumor predisposition; Hereditary neoplastic syndrome. Identifiers: Orphanet 140162, MedGen C0027672, MeSH D009386, MONDO:0015356.
Familial adenomatous polyposis 1 (FAP1). Also called: FAMILIAL ADENOMATOUS POLYPOSIS 1, ATTENUATED; POLYPOSIS, ADENOMATOUS INTESTINAL. Identifiers: MedGen C2713442, MONDO:0021056, OMIM 175100. Disease mechanism: loss of function.

Submissions (2):

Labcorp Genetics (formerly Invitae), Labcorp
Classification: Uncertain significance for Familial adenomatous polyposis 1. Last evaluated: 2026-01-11. Review status: criteria provided, single submitter. Criteria: Invitae Variant Classification Sherloc (09022015). Collection method: clinical testing. Allele origin: germline.
Comment: This sequence change replaces lysine, which is basic and polar, with threonine, which is neutral and polar, at codon 1704 of the APC protein (p.Lys1704Thr). This variant is not present in population databases (gnomAD no frequency). This variant has not been reported in the literature in individuals affected with APC-related conditions. ClinVar contains an entry for this variant (Variation ID: 1745415). Invitae Evidence Modeling of protein sequence and biophysical properties (such as structural, functional, and spatial information, amino acid conservation, physicochemical variation, residue mobility, and thermodynamic stability) indicates that this missense variant is not expected to disrupt APC protein function with a negative predictive value of 95%. In summary, the available evidence is currently insufficient to determine the role of this variant in disease. Therefore, it has been classified as a Variant of Uncertain Significance.

Ambry Genetics
Classification: Uncertain significance for Hereditary cancer-predisposing syndrome. Last evaluated: 2020-05-28. Review status: criteria provided, single submitter. Criteria: Ambry Variant Classification Scheme 2023. Collection method: clinical testing. Allele origin: germline.
Comment: The p.K1704T variant (also known as c.5111A>C), located in coding exon 15 of the APC gene, results from an A to C substitution at nucleotide position 5111. The lysine at codon 1704 is replaced by threonine, an amino acid with similar properties. This amino acid position is well conserved in available vertebrate species. In addition, in silico predictors for this gene do not accurately predict pathogenicity. Since supporting evidence is limited at this time, the clinical significance of this alteration remains unclear.